The following is an entry in ClinVar:

NM_001378454.1(ALMS1):c.11708G>A (p.Arg3903Gln)

Gene: ALMS1 (ALMS1 centrosome and basal body associated protein; plus strand). Cytogenetic location: 2p13.1.
Variant type: single nucleotide variant.
Coding change: c.11708G>A on transcript NM_001378454.1 (MANE Select); coding-DNA position 11708, G replaced by A.
Protein change: p.Arg3903Gln; replaces arginine 3903 with glutamine.
Molecular consequence: missense variant.
Genome position (GRCh38, 1-based): chr2:73,600,717, G>A. VCF-style: chr2-73600717-G-A. GRCh37 (hg19) VCF-style: chr2-73827844-G-A.
Other names: c.11711G>A, p.Arg3904Gln (NM_015120.4); short protein forms R3904Q, R3903Q.
Identifiers: ClinVar variation 387921 (VCV000387921.28), dbSNP rs201673771, ClinGen allele CA1715302.

ClinVar aggregate classification (germline): Conflicting classifications of pathogenicity. Review status: criteria provided, conflicting classifications (1 of 4 stars). 8 submissions from 8 submitters: Uncertain significance (5); Likely benign (3). Last evaluated 2026-08-14.

Conditions:
Cardiovascular phenotype. Identifiers: MedGen CN230736.
Alstrom syndrome (ALMS). Identifiers: Orphanet 64, MedGen C0268425, MONDO:0008763, OMIM 203800.

Allele frequency attached by ClinVar (database versions not stated): 1000 Genomes Project 30x 0.00016; 1000 Genomes Project 0.00020; TOPMed 0.00056; gnomAD 0.00057 and 0.00058; ESP Exome Variant Server 0.00117.
gnomAD v4.1: 1,335 of 1,614,068 alleles (0.083%); highest among the groups gnomAD compares: Non-Finnish European, 0.11%; 1 homozygote.

Submissions (8):

GeneDx
Classification: Uncertain significance. Last evaluated: 2026-08-14. Review status: criteria provided, single submitter. Criteria: GeneDx Variant Classification Process June 2021. Collection method: clinical testing. Allele origin: germline.
Comment: Reported in a cohort with a clinical diagnosis of blindness, no additional clinical or segregation information was provided (PMID: 32483926); In silico analysis suggests that this missense variant does not alter protein structure/function; This variant is associated with the following publications: (PMID: 34935411, 25846608, 32483926)

Blueprint Genetics
Classification: Likely benign. Last evaluated: 2024-11-25. Review status: criteria provided, single submitter. Criteria: ACMG Guidelines, 2015. Collection method: clinical testing. Allele origin: germline.

ARUP Laboratories, Molecular Genetics and Genomics, ARUP Laboratories
Classification: Uncertain significance for Alstrom syndrome. Last evaluated: 2024-02-22. Review status: criteria provided, single submitter. Criteria: ARUP Molecular Germline Variant Investigation Process 2024. Collection method: clinical testing. Allele origin: germline.
Comment: The ALMS1 c.11708G>A; p.Arg3903Gln variant (rs201673771), also known as NM_015120.4: c.11711G>A; p.Arg3904Gln, has been reported in the literature as a variant of uncertain significance, but clinical information was not provided (Dineiro 2020). This variant is also reported in ClinVar (Variation ID: 387921). It is found in the general population with an overall allele frequency of 0.05% (146/281546 alleles) in the Genome Aggregation Database. Computational analyses predict that this variant is tolerated (REVEL: 0.092). Due to limited information, the clinical significance of this variant is uncertain at this time. References: Dineiro M et al. Comprehensive genomic diagnosis of inherited retinal and optical nerve disorders reveals hidden syndromes and personalized therapeutic options. Acta Ophthalmol. 2020 Dec;98(8):e1034-e1048. PMID: 32483926.

Women's Health and Genetics/Laboratory Corporation of America, LabCorp
Classification: Uncertain significance. Last evaluated: 2023-07-24. Review status: criteria provided, single submitter. Criteria: LabCorp Variant Classification Summary - May 2015. Collection method: clinical testing. Allele origin: germline.
Comment: Variant summary: ALMS1 c.11705G>A (p.Arg3902Gln) results in a conservative amino acid change in the encoded protein sequence. Four of five in-silico tools predict a benign effect of the variant on protein function. The variant allele was found at a frequency of 0.0005 in 250142 control chromosomes (gnomAD). This frequency is not significantly higher than estimated for a pathogenic variant in ALMS1 causing Alstrom Syndrome With Dilated Cardiomyopathy (0.0005 vs 0.0018), allowing no conclusion about variant significance. c.11705G>A has been reported in the literature in individuals affected/suspicion for Alstrom Syndrome (Marshall_2015) or Dilated Cardiomyopathy (Khan_2022). These report(s) do not provide unequivocal conclusions about association of the variant with Alstrom Syndrome With Dilated Cardiomyopathy. To our knowledge, no experimental evidence demonstrating an impact on protein function has been reported. The following publications have been ascertained in the context of this evaluation (PMID: 32483926, 34935411, 25846608). Five submitters have cited clinical-significance assessments for this variant to ClinVar after 2014 and classified the variant as VUS (n=3) and likely benign (n=2). Based on the evidence outlined above, the variant was classified as uncertain significance.

Labcorp Genetics (formerly Invitae), Labcorp
Classification: Uncertain significance for Alstrom syndrome. Last evaluated: 2022-10-25. Review status: criteria provided, single submitter. Criteria: Invitae Variant Classification Sherloc (09022015). Collection method: clinical testing. Allele origin: germline.
Comment: This sequence change replaces arginine, which is basic and polar, with glutamine, which is neutral and polar, at codon 3904 of the ALMS1 protein (p.Arg3904Gln). This variant is present in population databases (rs201673771, gnomAD 0.09%), and has an allele count higher than expected for a pathogenic variant. This variant has not been reported in the literature in individuals affected with ALMS1-related conditions. ClinVar contains an entry for this variant (Variation ID: 387921). Experimental studies and prediction algorithms are not available or were not evaluated, and the functional significance of this variant is currently unknown. In summary, the available evidence is currently insufficient to determine the role of this variant in disease. Therefore, it has been classified as a Variant of Uncertain Significance.

Ambry Genetics
Classification: Likely benign for Cardiovascular phenotype. Last evaluated: 2022-02-14. Review status: criteria provided, single submitter. Criteria: Ambry Variant Classification Scheme 2023. Collection method: clinical testing. Allele origin: germline.

Laboratory for Molecular Medicine, Mass General Brigham Personalized Medicine
Classification: Likely benign. Last evaluated: 2018-07-17. Review status: criteria provided, single submitter. Criteria: LMM Criteria. Collection method: clinical testing. Allele origin: germline. Observed: 1 variant allele.
Comment: The p.Arg3904Gln variant in ALMS1 is classified as likely benign due to a lack o f conservation across species, including mammals. Of note, golden hamster, mouse and rat have a glutamine (Gln) at this position. It has been identified in 119/ 126668 European chromosomes by the Genome Aggregation Database (gnomAD,, dbSNP rs201673771). ACMG/AMP Criteria applied: BP4_Str ong, BS1_Supporting.

Genetic Services Laboratory, University of Chicago
Classification: Uncertain significance. Last evaluated: 2016-08-25. Review status: criteria provided, single submitter. Criteria: ACMG Guidelines, 2015. Collection method: clinical testing. Allele origin: germline. Affected: no.

Literature cited by the submitters: PubMed 25846608 (cited by Women's Health and Genetics/Laboratory Corporation of America, LabCorp); PubMed 32483926 (cited by Women's Health and Genetics/Laboratory Corporation of America, LabCorp); PubMed 34935411 (cited by Women's Health and Genetics/Laboratory Corporation of America, LabCorp).